The following is an entry in ClinVar:

ClinVar aggregate classification (germline): Uncertain significance (1 of 4 stars; one submission).

Conditions:
Familial adenomatous polyposis 1 (FAP1). Also called: POLYPOSIS, ADENOMATOUS INTESTINAL; FAMILIAL ADENOMATOUS POLYPOSIS 1, ATTENUATED. Identifiers: MedGen C2713442, MONDO:0021056, OMIM 175100. Disease mechanism: loss of function.

Submission:

Labcorp Genetics (formerly Invitae), Labcorp
Classification: Uncertain significance for Familial adenomatous polyposis 1. Last evaluated: 2020-05-20. Review status: criteria provided, single submitter. Criteria: Invitae Variant Classification Sherloc (09022015). Collection method: clinical testing. Allele origin: germline.
Comment: This sequence change replaces glutamic acid with glycine at codon 536 of the APC protein (p.Glu536Gly). The glutamic acid residue is highly conserved and there is a moderate physicochemical difference between glutamic acid and glycine. This variant is not present in population databases (ExAC no frequency). This variant has not been reported in the literature in individuals with APC-related conditions. Algorithms developed to predict the effect of missense changes on protein structure and function (SIFT, PolyPhen-2, Align-GVGD) all suggest that this variant is likely to be tolerated, but these predictions have not been confirmed by published functional studies and their clinical significance is uncertain. In summary, the available evidence is currently insufficient to determine the role of this variant in disease. Therefore, it has been classified as a Variant of Uncertain Significance.

NM_000038.6(APC):c.1607A>G (p.Glu536Gly)

Gene: APC (APC regulator of Wnt signaling pathway; plus strand). Cytogenetic location: 5q22.2.
Variant type: single nucleotide variant.
Coding change: c.1607A>G on transcript NM_000038.6 (MANE Select); coding-DNA position 1607, A replaced by G.
Protein change: p.Glu536Gly; replaces glutamic acid 536 with glycine.
Molecular consequence: missense variant.
Genome position (GRCh38, 1-based): chr5:112,827,987, A>G. VCF-style: chr5-112827987-A-G. GRCh37 (hg19) VCF-style: chr5-112163684-A-G.
Other names: c.1607A>G, p.Glu536Gly (NM_001127510.3, NM_001354895.2); c.1553A>G, p.Glu518Gly (NM_001127511.3); c.1661A>G, p.Glu554Gly (NM_001354896.2); c.1637A>G, p.Glu546Gly (NM_001354897.2); c.1532A>G, p.Glu511Gly (NM_001354898.2); c.1523A>G, p.Glu508Gly (NM_001354899.2); c.1484A>G, p.Glu495Gly (NM_001354900.2); c.1430A>G, p.Glu477Gly (NM_001354901.2); and 5 more; short protein forms E435G, E518G, E253G, E536G, E554G, E445G, E495G, E508G.
Identifiers: ClinVar variation 1046600 (VCV001046600.10), dbSNP rs1763882905, ClinGen allele CA16024813.